The following is an entry in ClinVar:

NM_002775.5(HTRA1):c.169C>G (p.Arg57Gly)

Gene: HTRA1 (HtrA serine peptidase 1; plus strand). Cytogenetic location: 10q26.13.
Variant type: single nucleotide variant.
Coding change: c.169C>G on transcript NM_002775.5 (MANE Select); coding-DNA position 169, C replaced by G.
Protein change: p.Arg57Gly; replaces arginine 57 with glycine.
Molecular consequence: missense variant.
Genome position (GRCh38, 1-based): chr10:122,461,821, C>G. VCF-style: chr10-122461821-C-G. GRCh37 (hg19) VCF-style: chr10-124221337-C-G.
Other names: short protein forms R57G.
Identifiers: ClinVar variation 4982951 (VCV004982951.1).

ClinVar aggregate classification (germline): Uncertain significance (1 of 4 stars; one submission).

Conditions:
HTRA1-related disorder. Also called: HTRA1-related condition.

gnomAD v4.1: 2 of 1,089,288 alleles (0.00018%); highest among the groups gnomAD compares: African/African-American, 0.0017%; no homozygotes.

Submission:

PreventionGenetics, part of Exact Sciences
Classification: Uncertain significance for HTRA1-related condition. Last evaluated: 2025-08-24. Review status: criteria provided, single submitter. Criteria: ACMG Guidelines, 2015. Collection method: clinical testing. Allele origin: germline.
Comment: The HTRA1 c.169C>G variant is predicted to result in the amino acid substitution p.Arg57Gly. To our knowledge, this variant has not been reported in the literature or in a large population database (gnomAD), indicating this variant is rare. At this time, the clinical significance of this variant is uncertain due to the absence of conclusive functional and genetic evidence.